The following is an entry in ClinVar:

ClinVar aggregate classification (germline): Likely pathogenic (1 of 4 stars; one submission).

Conditions:
Primary ciliary dyskinesia 14. Also called: CILIARY DYSKINESIA, PRIMARY, 14, WITH OR WITHOUT SITUS INVERSUS. Identifiers: Orphanet 244, MedGen C3151136, MONDO:0013434, OMIM 613807.

Submission:

3billion
Classification: Likely pathogenic for Primary ciliary dyskinesia 14. Last evaluated: 2023-02-23. Review status: criteria provided, single submitter. Criteria: ACMG Guidelines, 2015. Collection method: clinical testing. Allele origin: unknown. Affected: yes.
Comment: The variant is not observed in the gnomAD v2.1.1 dataset. This variant was predicted to alter splicing and result in a loss or disruption of normal protein function. Multiple pathogenic loss-of-function variants are reported downstream of the variant. Therefore, this variant is classified as Likely pathogenic according to the recommendation of ACMG/AMP guideline.

NM_181426.2(CCDC39):c.90+1G>C

Gene: CCDC39 (coiled-coil domain 39 molecular ruler complex subunit; minus strand). Cytogenetic location: 3q26.33.
Variant type: single nucleotide variant.
Coding change: c.90+1G>C on transcript NM_181426.2 (MANE Select); the canonical splice donor site of the intron after coding-DNA position 90, G replaced by C.
Molecular consequence: splice donor variant.
Genome position (GRCh38, 1-based): chr3:180,679,290, C>G on the plus strand (G>C on the coding strand, the complement: CCDC39 is on the minus strand). VCF-style: chr3-180679290-C-G. GRCh37 (hg19) VCF-style: chr3-180397078-C-G.
Identifiers: ClinVar variation 2444423 (VCV002444423.1), dbSNP rs2473845881, ClinGen allele CA355306395.